The following is an entry in ClinVar:

ClinVar aggregate classification (germline): Uncertain significance (1 of 4 stars; one submission).

Allele frequency attached by ClinVar (database versions not stated): gnomAD exomes below 0.00001.
gnomAD v4.1: 1 of 1,613,122 alleles (0.000062%); highest among the groups gnomAD compares: Non-Finnish European, 0.000085%; no homozygotes.

Submission:

Labcorp Genetics (formerly Invitae), Labcorp
Classification: Uncertain significance. Last evaluated: 2023-08-04. Review status: criteria provided, single submitter. Criteria: Invitae Variant Classification Sherloc (09022015). Collection method: clinical testing. Allele origin: germline.
Comment: In summary, the available evidence is currently insufficient to determine the role of this variant in disease. Therefore, it has been classified as a Variant of Uncertain Significance. Variants that disrupt the consensus splice site are a relatively common cause of aberrant splicing (PMID: 17576681, 9536098). Algorithms developed to predict the effect of sequence changes on RNA splicing suggest that this variant may disrupt the consensus splice site. ClinVar contains an entry for this variant (Variation ID: 1415070). This variant has not been reported in the literature in individuals affected with COL9A3-related conditions. This variant is present in population databases (no rsID available, gnomAD 0.0009%). This sequence change falls in intron 6 of the COL9A3 gene. It does not directly change the encoded amino acid sequence of the COL9A3 protein. It affects a nucleotide within the consensus splice site.

Literature cited by the submitters: PubMed 17576681; PubMed 9536098.

NM_001853.4(COL9A3):c.345+5G>A

Gene: COL9A3 (collagen type IX alpha 3 chain; plus strand). Cytogenetic location: 20q13.33.
Variant type: single nucleotide variant.
Coding change: c.345+5G>A on transcript NM_001853.4 (MANE Select); 5 bases into the intron after coding-DNA position 345, G replaced by A.
Molecular consequence: intron variant.
Genome position (GRCh38, 1-based): chr20:62,821,221, G>A. VCF-style: chr20-62821221-G-A. GRCh37 (hg19) VCF-style: chr20-61452573-G-A.
Identifiers: ClinVar variation 1415070 (VCV001415070.6), dbSNP rs1373612848, ClinGen allele CA636332832.